The following is an entry in ClinVar:

ClinVar aggregate classification (germline): Likely benign. Review status: criteria provided, multiple submitters, no conflicts (2 of 4 stars). 2 submissions from 2 submitters: Likely benign (2). Last evaluated 2025-12-30.

Conditions:
Infantile neuroaxonal dystrophy (NBIA2A). Also called: NEURODEGENERATION WITH BRAIN IRON ACCUMULATION 2A; SEITELBERGER DISEASE; Infantile neuroaxonal dystrophy 1. Identifiers: Orphanet 35069, MedGen C0270724, MONDO:0024457, OMIM 256600.

Allele frequency attached by ClinVar (database versions not stated): TOPMed 0.00001; gnomAD 0.00004; gnomAD exomes 0.00005; 1000 Genomes Project 30x 0.00016; 1000 Genomes Project 0.00020; ExAC 0.00028.
gnomAD v4.1: 69 of 1,549,192 alleles (0.0045%); highest among the groups gnomAD compares: South Asian, 0.075%; no homozygotes.

Submissions (2):

Labcorp Genetics (formerly Invitae), Labcorp
Classification: Likely benign for Infantile neuroaxonal dystrophy. Last evaluated: 2025-12-30. Review status: criteria provided, single submitter. Criteria: Invitae Variant Classification Sherloc (09022015). Collection method: clinical testing. Allele origin: germline.

CeGaT Center for Human Genetics Tuebingen
Classification: Likely benign. Last evaluated: 2024-01-01. Review status: criteria provided, single submitter. Criteria: CeGaT Center For Human Genetics Tuebingen Variant Classification Criteria Version 2. Collection method: clinical testing. Allele origin: germline. Affected: yes. Observed: 1 variant allele.
Comment: PLA2G6: BP4, BP7

NM_003560.4(PLA2G6):c.1059G>A (p.Pro353=)

Gene: PLA2G6 (phospholipase A2 group VI; minus strand). Cytogenetic location: 22q13.1.
Variant type: single nucleotide variant.
Coding change: c.1059G>A on transcript NM_003560.4 (MANE Select); coding-DNA position 1059, G replaced by A.
Protein change: p.Pro353=; no amino-acid change (proline 353 retained).
Molecular consequence: synonymous variant.
Genome position (GRCh38, 1-based): chr22:38,132,849, C>T on the plus strand (G>A on the coding strand, the complement: PLA2G6 is on the minus strand). VCF-style: chr22-38132849-C-T. GRCh37 (hg19) VCF-style: chr22-38528856-C-T.
Other names: c.1059G>A, p.Pro353= (NM_001004426.3, NM_001199562.3, NM_001349864.2 and 2 more transcripts); c.525G>A, p.Pro175= (NM_001349867.2, NM_001349869.2); c.381G>A, p.Pro127= (NM_001349868.2).
Identifiers: ClinVar variation 2850350 (VCV002850350.25), dbSNP rs574201303, ClinGen allele CA10231066.